The following is an entry in ClinVar:

NM_005334.3(HCFC1):c.1605G>A (p.Thr535=)

Gene: HCFC1 (host cell factor C1; minus strand). Cytogenetic location: Xq28.
Variant type: single nucleotide variant.
Coding change: c.1605G>A on transcript NM_005334.3 (MANE Select); coding-DNA position 1605, G replaced by A.
Protein change: p.Thr535=; no amino-acid change (threonine 535 retained).
Molecular consequence: synonymous variant.
Genome position (GRCh38, 1-based): chrX:153,959,331, C>T on the plus strand (G>A on the coding strand, the complement: HCFC1 is on the minus strand). VCF-style: chrX-153959331-C-T. GRCh37 (hg19) VCF-style: chrX-153224782-C-T.
Other names: NC_000023.10:g.153224782C>T; c.1605G>A (NM_005334.2); c.1605G>A, p.Thr535= (NM_001410705.1, NM_001440843.1, NM_001440844.1 and 7 more transcripts).
Identifiers: ClinVar variation 4477971 (VCV004477971.2).

ClinVar aggregate classification (germline): Likely benign (1 of 4 stars; one submission).

Conditions:
HCFC1-related disorder. Also called: HCFC1-related condition.

gnomAD v4.1: 3 of 1,201,068 alleles (0.00025%); highest among the groups gnomAD compares: Non-Finnish European, 0.00034%; no homozygotes.

Submissions (2):

PreventionGenetics, part of Exact Sciences
Classification: Likely benign for HCFC1-related condition. Last evaluated: 2025-12-29. Review status: criteria provided, single submitter. Criteria: ACMG Guidelines, 2015. Collection method: clinical testing. Allele origin: germline.
Comment: This variant is classified as likely benign based on ACMG/AMP sequence variant interpretation guidelines (Richards et al. 2015 PMID: 25741868, with internal and published modifications).

Dr. Peter K. Rogan Lab, Western University
No classification provided (evidence only). Condition: Thyroid cancer, nonmedullary, 1. Review status: no classification provided. Collection method: in vitro. Allele origin: not applicable. Functional consequence: retained intron. Not counted in ClinVar's aggregate classification.